The following is an entry in ClinVar:

ClinVar aggregate classification (germline): Uncertain significance (1 of 4 stars; one submission).

Allele frequency attached by ClinVar (database versions not stated): gnomAD exomes 0.00001 and below 0.00001; ExAC 0.00001; TOPMed 0.00001; gnomAD 0.00001.
gnomAD v4.1: 20 of 1,613,872 alleles (0.0012%); highest among the groups gnomAD compares: Non-Finnish European, 0.0017%; no homozygotes.

Submission:

Labcorp Genetics (formerly Invitae), Labcorp
Classification: Uncertain significance. Last evaluated: 2025-12-28. Review status: criteria provided, single submitter. Criteria: Invitae Variant Classification Sherloc (09022015). Collection method: clinical testing. Allele origin: germline.
Comment: This sequence change replaces valine, which is neutral and non-polar, with glycine, which is neutral and non-polar, at codon 1723 of the COL11A1 protein (p.Val1723Gly). This variant is present in population databases (rs776889654, gnomAD 0.002%). This variant has not been reported in the literature in individuals affected with COL11A1-related conditions. ClinVar contains an entry for this variant (Variation ID: 1519894). Invitae Evidence Modeling of protein sequence and biophysical properties (such as structural, functional, and spatial information, amino acid conservation, physicochemical variation, residue mobility, and thermodynamic stability) indicates that this missense variant is not expected to disrupt COL11A1 protein function with a negative predictive value of 80%. In summary, the available evidence is currently insufficient to determine the role of this variant in disease. Therefore, it has been classified as a Variant of Uncertain Significance.

NM_001854.4(COL11A1):c.5168T>G (p.Val1723Gly)

Genes: COL11A1 (collagen type XI alpha 1 chain; minus strand), LOC126805814 (P300/CBP strongly-dependent group 1 enhancer GRCh37_chr1:103344928-103346127; plus strand). Cytogenetic location: 1p21.1.
Variant type: single nucleotide variant.
Coding change: c.5168T>G on transcript NM_001854.4 (MANE Select); coding-DNA position 5168, T replaced by G.
Protein change: p.Val1723Gly; replaces valine 1723 with glycine.
Molecular consequence: missense variant. On other transcripts: non-coding transcript variant (1).
Genome position (GRCh38, 1-based): chr1:102,879,789, A>C on the plus strand (T>G on the coding strand, the complement: COL11A1 is on the minus strand). VCF-style: chr1-102879789-A-C. GRCh37 (hg19) VCF-style: chr1-103345345-A-C.
Other names: c.5051T>G, p.Val1684Gly (NM_001190709.2); c.5204T>G, p.Val1735Gly (NM_080629.3); c.4820T>G, p.Val1607Gly (NM_080630.4); short protein forms V1684G, V1723G, V1607G, V1735G.
Identifiers: ClinVar variation 1519894 (VCV001519894.6), dbSNP rs776889654, ClinGen allele CA973292.